The following is an entry in ClinVar:

ClinVar aggregate classification (germline): Uncertain significance (1 of 4 stars; one submission).

Allele frequency attached by ClinVar (database versions not stated): TOPMed 0.00008; gnomAD exomes 0.00010 and 0.00002; gnomAD 0.00002; ExAC 0.00007.
gnomAD v4.1: 33 of 1,614,020 alleles (0.002%); highest among the groups gnomAD compares: Admixed American, 0.045%; no homozygotes.

Submission:

Labcorp Genetics (formerly Invitae), Labcorp
Classification: Uncertain significance. Last evaluated: 2022-08-15. Review status: criteria provided, single submitter. Criteria: Invitae Variant Classification Sherloc (09022015). Collection method: clinical testing. Allele origin: germline.
Comment: This sequence change replaces arginine, which is basic and polar, with glycine, which is neutral and non-polar, at codon 135 of the SLC45A2 protein (p.Arg135Gly). This variant is present in population databases (rs768805504, gnomAD 0.07%). This variant has not been reported in the literature in individuals affected with SLC45A2-related conditions. ClinVar contains an entry for this variant (Variation ID: 1508611). Algorithms developed to predict the effect of missense changes on protein structure and function (SIFT, PolyPhen-2, Align-GVGD) all suggest that this variant is likely to be tolerated. Algorithms developed to predict the effect of sequence changes on RNA splicing suggest that this variant may create or strengthen a splice site. In summary, the available evidence is currently insufficient to determine the role of this variant in disease. Therefore, it has been classified as a Variant of Uncertain Significance.

NM_016180.5(SLC45A2):c.403A>G (p.Arg135Gly)

Gene: SLC45A2 (solute carrier family 45 member 2; minus strand). Cytogenetic location: 5p13.2.
Variant type: single nucleotide variant.
Coding change: c.403A>G on transcript NM_016180.5 (MANE Select); coding-DNA position 403, A replaced by G.
Protein change: p.Arg135Gly; replaces arginine 135 with glycine.
Molecular consequence: missense variant.
Genome position (GRCh38, 1-based): chr5:33,982,395, T>C on the plus strand (A>G on the coding strand, the complement: SLC45A2 is on the minus strand). VCF-style: chr5-33982395-T-C. GRCh37 (hg19) VCF-style: chr5-33982500-T-C.
Other names: c.403A>G, p.Arg135Gly (NM_001012509.4, NM_001297417.4); short protein forms R135G.
Identifiers: ClinVar variation 1508611 (VCV001508611.3), dbSNP rs768805504, ClinGen allele CA3225802.